The following is an entry in ClinVar:

NC_000005.10:g.33985070_33985072del

Gene: SLC45A2 (solute carrier family 45 member 2; minus strand). Cytogenetic location: 5p13.2.
Variant type: Deletion.
Genome position: GRCh38 VCF-style: chr5-33985069-ACAC-A. GRCh37 (hg19) VCF-style: chr5-33985174-ACAC-A.
Identifiers: ClinVar variation 1904915 (VCV001904915.4), dbSNP rs1369412354, ClinGen allele CA810004932.

ClinVar aggregate classification (germline): Uncertain significance. Review status: criteria provided, multiple submitters, no conflicts (2 of 4 stars). 2 submissions from 2 submitters: Uncertain significance (2). Last evaluated 2022-03-17.

Allele frequency attached by ClinVar (database versions not stated): gnomAD 0.00003.

Submissions (2):

Labcorp Genetics (formerly Invitae), Labcorp
Classification: Uncertain significance. Last evaluated: 2022-03-17. Review status: criteria provided, single submitter. Criteria: Invitae Variant Classification Sherloc (09022015). Collection method: clinical testing. Allele origin: germline.
Comment: This variant occurs in a non-coding region of the SLC45A2 gene. It does not change the encoded amino acid sequence of the SLC45A2 protein. This variant is not present in population databases (gnomAD no frequency). This variant has not been reported in the literature in individuals affected with SLC45A2-related conditions. Experimental studies and prediction algorithms are not available or were not evaluated, and the functional significance of this variant is currently unknown. In summary, the available evidence is currently insufficient to determine the role of this variant in disease. Therefore, it has been classified as a Variant of Uncertain Significance.

Blueprint Genetics
Classification: Uncertain significance. Last evaluated: 2022-03-08. Review status: criteria provided, single submitter. Criteria: ACMG Guidelines, 2015. Collection method: clinical testing. Allele origin: germline.